The following is an entry in ClinVar:

ClinVar aggregate classification (germline): Uncertain significance (1 of 4 stars; one submission).

Conditions:
Lipoic acid synthetase deficiency. Also called: HYPERGLYCINEMIA, LACTIC ACIDOSIS, AND SEIZURES. Identifiers: Orphanet 401859, MedGen C3280887, MONDO:0013762, OMIM 614462.

Submission:

Labcorp Genetics (formerly Invitae), Labcorp
Classification: Uncertain significance for Pyruvate dehydrogenase lipoic acid synthetase deficiency. Last evaluated: 2019-12-27. Review status: criteria provided, single submitter. Criteria: Invitae Variant Classification Sherloc (09022015). Collection method: clinical testing. Allele origin: germline.
Comment: This variant results in a copy number gain of the genomic region encompassing the full coding sequence of the LIAS gene. The boundaries of this event are unknown as they extend beyond the assayed region for this gene and therefore may encompass additional genes. As the precise location of this event is unknown, it may be in tandem or it may be located elsewhere in the genome. This variant has not been reported in the literature in individuals with LIAS-related conditions. In summary, the available evidence is currently insufficient to determine the role of this variant in disease. Therefore, it has been classified as a Variant of Uncertain Significance.

NC_000004.11:g.(?_39460718)_(39478755_?)dup

Genes: LIAS (lipoic acid synthetase; plus strand), LOC112939935 (Sharpr-MPRA regulatory region 11886; plus strand), LOC129992453 (ATAC-STARR-seq lymphoblastoid active region 21459; plus strand). Cytogenetic location: 4p14.
Variant type: Duplication.
Identifiers: ClinVar variation 472875 (VCV000472875.2).